The following is an entry in ClinVar:

NM_000179.3(MSH6):c.2284del (p.Val762fs)

Gene: MSH6 (mutS homolog 6; plus strand). Cytogenetic location: 2p16.3.
Variant type: Deletion.
Coding change: c.2284del on transcript NM_000179.3 (MANE Select); coding-DNA position 2284, one base deleted (G; older notation c.2284delG).
Protein change: p.Val762fs; shifts the reading frame from valine 762.
Molecular consequence: frameshift variant.
Genome position (GRCh38, 1-based): chr2:47,800,267, G deleted; the last of 3 consecutive G bases (chr2:47,800,265-47,800,267); deleting any one gives the same sequence. VCF-style (leftmost placement, unchanged base first): chr2-47800264-AG-A. GRCh37 (hg19) VCF-style: chr2-48027403-AG-A.
Other names: c.1894del, p.Val632fs (NM_001281492.2); c.1378del, p.Val460fs (NM_001281493.2, NM_001281494.2); short protein forms V460fs, V762fs, V632fs.
Identifiers: ClinVar variation 1377231 (VCV001377231.7), dbSNP rs2104398285, ClinGen allele CA2573135008.

ClinVar aggregate classification (germline): Pathogenic. Review status: criteria provided, multiple submitters, no conflicts (2 of 4 stars). 2 submissions from 2 submitters: Pathogenic (2). Last evaluated 2026-08-05.

Conditions:
Inherited MMR deficiency (Lynch syndrome).
Hereditary nonpolyposis colorectal neoplasms. Identifiers: MedGen C0009405, MeSH D003123.

Submissions (2):

Genetics Laboratory, Great Ormond Street Hospital NHS Foundation Trust, North Thames Genomic Laboratory Hub
Classification: Pathogenic for Inherited MMR deficiency (Lynch syndrome). Last evaluated: 2026-08-05. Review status: criteria provided, single submitter. Criteria: CanVIG MMR Gene Specific V1.7. Collection method: clinical testing. Allele origin: germline. Affected: yes.
Comment: PM2_supporting, PVS1_very-strong, PM5_supporting

Labcorp Genetics (formerly Invitae), Labcorp
Classification: Pathogenic for Hereditary nonpolyposis colorectal neoplasms. Last evaluated: 2021-07-19. Review status: criteria provided, single submitter. Criteria: Invitae Variant Classification Sherloc (09022015). Collection method: clinical testing. Allele origin: germline.
Comment: This sequence change creates a premature translational stop signal (p.Val762Leufs*13) in the MSH6 gene. It is expected to result in an absent or disrupted protein product. Loss-of-function variants in MSH6 are known to be pathogenic (PMID: 18269114, 24362816). Algorithms developed to predict the effect of sequence changes on RNA splicing suggest that this variant may create or strengthen a splice site, but this prediction has not been confirmed by published transcriptional studies. For these reasons, this variant has been classified as Pathogenic. This variant is not present in population databases (ExAC no frequency). This variant has not been reported in the literature in individuals with MSH6-related conditions.

Literature cited by the submitters: PubMed 18269114 (cited by Labcorp Genetics (formerly Invitae), Labcorp); PubMed 24362816 (cited by Labcorp Genetics (formerly Invitae), Labcorp).